The following is an entry in ClinVar:

NM_000383.4(AIRE):c.49del (p.Glu17fs)

Gene: AIRE (autoimmune regulator; plus strand). Cytogenetic location: 21q22.3.
Variant type: Deletion.
Coding change: c.49del on transcript NM_000383.4 (MANE Select); coding-DNA position 49, one base deleted (G; older notation c.49delG).
Protein change: p.Glu17fs; shifts the reading frame from glutamic acid 17.
Molecular consequence: frameshift variant.
Genome position (GRCh38, 1-based): chr21:44,286,055, G deleted; the last of 2 consecutive G bases (chr21:44,286,054-44,286,055); deleting either gives the same sequence. VCF-style (leftmost placement, unchanged base first): chr21-44286053-CG-C. GRCh37 (hg19) VCF-style: chr21-45705936-CG-C.
Other names: short protein forms E17fs.
Identifiers: ClinVar variation 5014263 (VCV005014263.1).

ClinVar aggregate classification (germline): Pathogenic (1 of 4 stars; one submission).

Conditions:
Polyglandular autoimmune syndrome, type 1 (APS1). Also called: Whitaker syndrome; Autoimmune polyendocrinopathy syndrome, type I; AUTOIMMUNE POLYENDOCRINE SYNDROME, TYPE I, WITH OR WITHOUT REVERSIBLE METAPHYSEAL DYSPLASIA; APS I; HYPOADRENOCORTICISM WITH HYPOPARATHYROIDISM AND SUPERFICIAL MONILIASIS; PGA I. Identifiers: Orphanet 3453, MedGen C0085859, MONDO:0009411, OMIM 240300.

Submission:

Myriad Genetics, Inc.
Classification: Pathogenic for Polyglandular autoimmune syndrome, type 1. Last evaluated: 2025-03-26. Review status: criteria provided, single submitter. Criteria: Myriad Autosomal Dominant, Autosomal Recessive and X-Linked Classification Criteria (2023). Collection method: clinical testing. Allele origin: unknown.
Comment: NM_000383.3(AIRE):c.49delG(E17Rfs*33) is expected to be pathogenic in the context of autoimmune polyglandular syndrome type 1. This variant is predicted to lead to an abnormal or absent protein product due to the creation of a premature termination codon in AIRE, a gene where loss-of-function variants are known to be pathogenic. Please note: this variant was assessed in the context of healthy population screening.